The following is an entry in ClinVar:

ClinVar aggregate classification (germline): Pathogenic (1 of 4 stars; one submission).

Conditions:
Familial cancer of breast. Also called: BREAST CANCER, FAMILIAL; Hereditary breast cancer; hereditary breast carcinoma. Identifiers: Orphanet 227535, MedGen C0346153, MONDO:0016419, OMIM 114480. Disease mechanism: loss of function.
Fanconi anemia complementation group J. Also called: BRIP1-Related Fanconi Anemia. Identifiers: Orphanet 84, MedGen C1836860, MONDO:0012187, OMIM 609054.

Submission:

Labcorp Genetics (formerly Invitae), Labcorp
Classification: Pathogenic for Familial cancer of breast; Fanconi anemia complementation group J. Last evaluated: 2021-03-22. Review status: criteria provided, single submitter. Criteria: Invitae Variant Classification Sherloc (09022015). Collection method: clinical testing. Allele origin: germline.
Comment: For these reasons, this variant has been classified as Pathogenic. This variant has not been reported in the literature in individuals with BRIP1-related conditions. This variant is not present in population databases (ExAC no frequency). This sequence change creates a premature translational stop signal (p.Arg148Metfs*8) in the BRIP1 gene. It is expected to result in an absent or disrupted protein product. Loss-of-function variants in BRIP1 are known to be pathogenic (PMID: 16116423, 17033622, 21964575).

Literature cited by the submitters: PubMed 16116423; PubMed 17033622; PubMed 21964575.

NM_032043.3(BRIP1):c.443_446del (p.Arg148fs)

Gene: BRIP1 (BRCA1 interacting DNA helicase 1; minus strand). Cytogenetic location: 17q23.2.
Variant type: Deletion.
Coding change: c.443_446del on transcript NM_032043.3 (MANE Select); coding-DNA positions 443 to 446, 4 bases deleted (GAGA; older notation c.443_446delGAGA).
Protein change: p.Arg148fs; shifts the reading frame from arginine 148.
Molecular consequence: frameshift variant.
Genome position (GRCh38, 1-based): chr17:61,849,190-61,849,193, TCTC deleted on the plus strand (GAGA on the coding strand, the reverse complement: BRIP1 is on the minus strand); deleting any 4 consecutive bases within chr17:61,849,190-61,849,194 gives the same sequence; the c. name uses the placement nearest the transcript's 3' end. VCF-style (leftmost placement, unchanged base first): chr17-61849189-ATCTC-A. GRCh37 (hg19) VCF-style: chr17-59926550-ATCTC-A.
Other names: short protein forms R148fs.
Identifiers: ClinVar variation 1451315 (VCV001451315.7), dbSNP rs2145763904, ClinGen allele CA2573154362.